The following is an entry in ClinVar:

NM_001375808.2(LPIN2):c.838C>T (p.Arg280Ter)

Gene: LPIN2 (lipin 2; minus strand). Cytogenetic location: 18p11.31.
Variant type: single nucleotide variant.
Coding change: c.838C>T on transcript NM_001375808.2 (MANE Select); coding-DNA position 838, C replaced by T.
Protein change: p.Arg280Ter; replaces arginine 280 with a stop codon.
Molecular consequence: nonsense.
Genome position (GRCh38, 1-based): chr18:2,938,022, G>A on the plus strand (C>T on the coding strand, the complement: LPIN2 is on the minus strand). VCF-style: chr18-2938022-G-A. GRCh37 (hg19) VCF-style: chr18-2938020-G-A.
Other names: c.838C>T, p.Arg280Ter (NM_001375809.1, NM_014646.2); short protein forms R280*.
Identifiers: ClinVar variation 1068791 (VCV001068791.8), dbSNP rs759667494, ClinGen allele CA401707036.

ClinVar aggregate classification (germline): Pathogenic/Likely pathogenic. Review status: criteria provided, multiple submitters, no conflicts (2 of 4 stars). 2 submissions from 2 submitters: Pathogenic (1); Likely pathogenic (1). Last evaluated 2025-12-16.

Conditions:
Majeed syndrome (MJDS). Also called: LPIN2-Related Majeed Syndrome; CHRONIC RECURRENT MULTIFOCAL OSTEOMYELITIS 1, WITH CONGENITAL DYSERYTHROPOIETIC ANEMIA, WITH OR WITHOUT NEUTROPHILIC DERMATOSIS. Identifiers: Orphanet 77297, MedGen C1864997, MONDO:0012316, OMIM 609628.

Submissions (2):

Labcorp Genetics (formerly Invitae), Labcorp
Classification: Pathogenic for Majeed syndrome. Last evaluated: 2025-12-16. Review status: criteria provided, single submitter. Criteria: Invitae Variant Classification Sherloc (09022015). Collection method: clinical testing. Allele origin: germline.
Comment: This sequence change creates a premature translational stop signal (p.Arg280*) in the LPIN2 gene. It is expected to result in an absent or disrupted protein product. Loss-of-function variants in LPIN2 are known to be pathogenic (PMID: 15994876, 23087183). This variant is present in population databases (no rsID available, gnomAD 0.007%). This variant has not been reported in the literature in individuals affected with LPIN2-related conditions. ClinVar contains an entry for this variant (Variation ID: 1068791). For these reasons, this variant has been classified as Pathogenic.

Genomic Medicine Center of Excellence, King Faisal Specialist Hospital and Research Centre
Classification: Likely pathogenic for Majeed syndrome. Last evaluated: 2024-03-26. Review status: criteria provided, single submitter. Criteria: ACMG Guidelines, 2015. Collection method: clinical testing. Allele origin: germline.

Literature cited by the submitters: PubMed 15994876 (cited by Labcorp Genetics (formerly Invitae), Labcorp); PubMed 23087183 (cited by Labcorp Genetics (formerly Invitae), Labcorp).